The following is an entry in ClinVar:

ClinVar aggregate classification (germline): Likely benign. Review status: criteria provided, multiple submitters, no conflicts (2 of 4 stars). 2 submissions from 2 submitters: Likely benign (2). Last evaluated 2018-06-14.

Allele frequency attached by ClinVar (database versions not stated): 1000 Genomes Project 0.01258; 1000 Genomes Project 30x 0.01327; ESP Exome Variant Server 0.02252; TOPMed 0.02639; gnomAD 0.02678 and 0.02729; ExAC 0.02704; gnomAD exomes 0.02844 and 0.03188.
gnomAD v4.1: 20,008 of 650,648 alleles (3.1%); highest among the groups gnomAD compares: Middle Eastern, 5.8%; 400 homozygotes.

Submissions (2):

GeneDx
Classification: Likely benign. Last evaluated: 2018-06-14. Review status: criteria provided, single submitter. Criteria: GeneDx Variant Classification (06012015). Collection method: clinical testing. Allele origin: germline. Affected: yes.
Comment: This variant is considered likely benign or benign based on one or more of the following criteria: it is a conservative change, it occurs at a poorly conserved position in the protein, it is predicted to be benign by multiple in silico algorithms, and/or has population frequency not consistent with disease.

Breakthrough Genomics
Classification: Likely benign. Review status: criteria provided, single submitter. Criteria: ACMG Guidelines, 2015. Collection method: not provided. Allele origin: germline. Inheritance: Autosomal recessive inheritance. Affected: yes.

NM_006846.4(SPINK5):c.3186+200T>C

Gene: SPINK5 (serine peptidase inhibitor Kazal type 5; plus strand). Cytogenetic location: 5q32.
Variant type: single nucleotide variant.
Coding change: c.3186+200T>C on transcript NM_006846.4 (MANE Select); 200 bases into the intron after coding-DNA position 3186, T replaced by C.
Molecular consequence: intron variant.
Genome position (GRCh38, 1-based): chr5:148,134,087, T>C. VCF-style: chr5-148134087-T-C. GRCh37 (hg19) VCF-style: chr5-147513650-T-C.
Other names: c.3276+200T>C (NM_001127698.2).
Identifiers: ClinVar variation 676389 (VCV000676389.2), dbSNP rs41291439, ClinGen allele CA3496295.